The following is an entry in ClinVar:

ClinVar aggregate classification (germline): Likely benign. Review status: criteria provided, multiple submitters, no conflicts (2 of 4 stars). 2 submissions from 2 submitters: Likely benign (2). Last evaluated 2024-07-23.

Conditions:
Hypertrophic cardiomyopathy. Also called: HYPERTROPHIC MYOCARDIOPATHY. Identifiers: Orphanet 217569, MedGen C0007194, MeSH D002312, MONDO:0005045, HP:0001639.

Submissions (2):

Labcorp Genetics (formerly Invitae), Labcorp
Classification: Likely benign for Hypertrophic cardiomyopathy. Last evaluated: 2024-07-23. Review status: criteria provided, single submitter. Criteria: Invitae Variant Classification Sherloc (09022015). Collection method: clinical testing. Allele origin: germline.

All of Us Research Program, National Institutes of Health
Classification: Likely benign for Hypertrophic cardiomyopathy. Last evaluated: 2023-11-02. Review status: criteria provided, single submitter. Criteria: ACMG Guidelines, 2015. Collection method: clinical testing. Allele origin: germline. Inheritance: Autosomal dominant inheritance. Observed: 1 variant allele, 1 heterozygote.
Comment: This study involves interpretation of variants in research participants for the purpose of population health screening. Participant phenotype was not available at the time of variant classification. Additional details can be found in publication PMID: 35346344, PMCID: PMC8962531

NM_000256.3(MYBPC3):c.3276C>A (p.Val1092=)

Gene: MYBPC3 (myosin binding protein C3; minus strand). Cytogenetic location: 11p11.2.
Variant type: single nucleotide variant.
Coding change: c.3276C>A on transcript NM_000256.3 (MANE Select); coding-DNA position 3276, C replaced by A.
Protein change: p.Val1092=; no amino-acid change (valine 1092 retained).
Molecular consequence: synonymous variant.
Genome position (GRCh38, 1-based): chr11:47,333,248, G>T on the plus strand (C>A on the coding strand, the complement: MYBPC3 is on the minus strand). VCF-style: chr11-47333248-G-T. GRCh37 (hg19) VCF-style: chr11-47354799-G-T.
Identifiers: ClinVar variation 1667539 (VCV001667539.9), dbSNP rs376344765, ClinGen allele CA221682501.